The following is an entry in ClinVar:

NM_001457.4(FLNB):c.1355C>T (p.Pro452Leu)

Gene: FLNB (filamin B; plus strand). Cytogenetic location: 3p14.3.
Variant type: single nucleotide variant.
Coding change: c.1355C>T on transcript NM_001457.4 (MANE Select); coding-DNA position 1355, C replaced by T.
Protein change: p.Pro452Leu; replaces proline 452 with leucine.
Molecular consequence: missense variant.
Genome position (GRCh38, 1-based): chr3:58,102,212, C>T. VCF-style: chr3-58102212-C-T. GRCh37 (hg19) VCF-style: chr3-58087939-C-T.
Other names: c.1355C>T, p.Pro452Leu (NM_001164317.2, NM_001164318.2, NM_001164319.2); short protein forms P452L.
Identifiers: ClinVar variation 2985212 (VCV002985212.3), dbSNP rs752254396, ClinGen allele CA75428693.

ClinVar aggregate classification (germline): Uncertain significance (1 of 4 stars; one submission).

Allele frequency attached by ClinVar (database versions not stated): gnomAD 0.00001; gnomAD exomes 0.00001; TOPMed 0.00001.
gnomAD v4.1: 19 of 1,614,046 alleles (0.0012%); highest among the groups gnomAD compares: Non-Finnish European, 0.0016%; no homozygotes.

Submission:

Labcorp Genetics (formerly Invitae), Labcorp
Classification: Uncertain significance. Last evaluated: 2023-11-24. Review status: criteria provided, single submitter. Criteria: Invitae Variant Classification Sherloc (09022015). Collection method: clinical testing. Allele origin: germline.
Comment: This sequence change replaces proline, which is neutral and non-polar, with leucine, which is neutral and non-polar, at codon 452 of the FLNB protein (p.Pro452Leu). This variant is present in population databases (rs752254396, gnomAD 0.0009%). This variant has not been reported in the literature in individuals affected with FLNB-related conditions. Advanced modeling of protein sequence and biophysical properties (such as structural, functional, and spatial information, amino acid conservation, physicochemical variation, residue mobility, and thermodynamic stability) performed at Invitae indicates that this missense variant is not expected to disrupt FLNB protein function with a negative predictive value of 95%. In summary, the available evidence is currently insufficient to determine the role of this variant in disease. Therefore, it has been classified as a Variant of Uncertain Significance.